The following is an entry in ClinVar:

NM_015100.4(POGZ):c.2635_2638del (p.Phe879fs)

Gene: POGZ (pogo transposable element derived with ZNF domain; minus strand). Cytogenetic location: 1q21.3.
Variant type: Microsatellite.
Coding change: c.2635_2638del on transcript NM_015100.4 (MANE Select); coding-DNA positions 2635 to 2638, 4 bases deleted (TTCC; older notation c.2635_2638delTTCC).
Protein change: p.Phe879fs; shifts the reading frame from phenylalanine 879.
Molecular consequence: frameshift variant.
Genome position (GRCh38, 1-based): chr1:151,406,397-151,406,400, GGAA deleted on the plus strand (TTCC on the coding strand, the reverse complement: POGZ is on the minus strand); deleting any 4 consecutive bases within chr1:151,406,397-151,406,407 gives the same sequence; the c. name uses the placement nearest the transcript's 3' end. VCF-style (leftmost placement, unchanged base first): chr1-151406396-GGGAA-G. GRCh37 (hg19) VCF-style: chr1-151378872-GGGAA-G.
Other names: c.2608_2611del, p.Phe870fs (NM_001194937.2); c.2449_2452del, p.Phe817fs (NM_001194938.2); c.2350_2353del, p.Phe784fs (NM_145796.4); c.2476_2479del, p.Phe826fs (NM_207171.2); short protein forms F784fs, F817fs, F826fs, F870fs, F879fs.
Identifiers: ClinVar variation 1700311 (VCV001700311.2), dbSNP rs2102150755, ClinGen allele CA2580611486.

ClinVar aggregate classification (germline): Pathogenic (1 of 4 stars; one submission).

Submission:

GeneDx
Classification: Pathogenic. Last evaluated: 2022-02-07. Review status: criteria provided, single submitter. Criteria: GeneDx Variant Classification Process June 2021. Collection method: clinical testing. Allele origin: germline. Affected: yes.
Comment: Also known as c.2350_2353del p.(F784fs); Frameshift variant predicted to result in protein truncation, as the last 532 amino acids are replaced with 7 different amino acids, and other loss-of-function variants have been reported downstream in HGMD (Stenson et al., 2014); Not observed at significant frequency in large population cohorts (gnomAD); This variant is associated with the following publications: (PMID: 31782611, 28303347)